The following is an entry in ClinVar:

ClinVar aggregate classification (germline): Uncertain significance (1 of 4 stars; one submission).

Allele frequency attached by ClinVar (database versions not stated): gnomAD 0.00003; TOPMed 0.00003; gnomAD exomes 0.00007; ExAC 0.00017.

Submission:

Labcorp Genetics (formerly Invitae), Labcorp
Classification: Uncertain significance. Last evaluated: 2025-10-18. Review status: criteria provided, single submitter. Criteria: Invitae Variant Classification Sherloc (09022015). Collection method: clinical testing. Allele origin: germline.
Comment: This sequence change replaces methionine, which is neutral and non-polar, with valine, which is neutral and non-polar, at codon 1031 of the NIN protein (p.Met1031Val). This variant is present in population databases (rs749538021, gnomAD 0.04%). This variant has not been reported in the literature in individuals affected with NIN-related conditions. ClinVar contains an entry for this variant (Variation ID: 1949285). An algorithm developed to predict the effect of missense changes on protein structure and function outputs the following: PolyPhen-2: "Benign". The valine amino acid residue is found in multiple mammalian species, which suggests that this missense change does not adversely affect protein function. In summary, the available evidence is currently insufficient to determine the role of this variant in disease. Therefore, it has been classified as a Variant of Uncertain Significance.

NM_020921.4(NIN):c.3091A>G (p.Met1031Val)

Gene: NIN (ninein; minus strand). Cytogenetic location: 14q22.1.
Variant type: single nucleotide variant.
Coding change: c.3091A>G on transcript NM_020921.4 (MANE Select); coding-DNA position 3091, A replaced by G.
Protein change: p.Met1031Val; replaces methionine 1031 with valine.
Molecular consequence: missense variant. On other transcripts: intron variant (1).
Genome position (GRCh38, 1-based): chr14:50,757,939, T>C on the plus strand (A>G on the coding strand, the complement: NIN is on the minus strand). VCF-style: chr14-50757939-T-C. GRCh37 (hg19) VCF-style: chr14-51224657-T-C.
Other names: c.3091A>G, p.Met1031Val (NM_182944.3, NM_182946.2); c.2399+1918A>G (NM_016350.5); short protein forms M1031V.
Identifiers: ClinVar variation 1949285 (VCV001949285.5), dbSNP rs749538021, ClinGen allele CA7181805.
Genomic context (GRCh38, chr14:50,757,939, plus strand): 5'-ACAGGGCTCCATCTCCTTCCACCTCCTCCTCTCCTATCACCTGGCAACCACTCTGAAGCA[T>C]TGAGAGAGGAGATGTTGCCTGCTGCATTTCCTTTATTTTACTCTGAAGTCTGGAGATTTC-3'
Protein context (NP_065972.4, residues 1021-1041): EMQQATSPLS[Met1031Val]LQSGCQVIGE